The following is an entry in ClinVar:

ClinVar aggregate classification (germline): Conflicting classifications of pathogenicity. Review status: criteria provided, conflicting classifications (1 of 4 stars). 4 submissions from 4 submitters: Uncertain significance (3); Likely benign (1). Last evaluated 2025-10-10.

Conditions:
Hereditary cancer-predisposing syndrome. Also called: Hereditary Cancer Syndrome; Hereditary neoplastic syndrome; Tumor predisposition; Neoplastic Syndromes, Hereditary. Identifiers: Orphanet 140162, MedGen C0027672, MeSH D009386, MONDO:0015356.

Allele frequency attached by ClinVar (database versions not stated): ExAC 0.00001; gnomAD exomes 0.00001.
gnomAD v4.1: 15 of 1,614,040 alleles (0.00093%); highest among the groups gnomAD compares: East Asian, 0.0067%; no homozygotes.

Submissions (4):

Labcorp Genetics (formerly Invitae), Labcorp
Classification: Uncertain significance. Last evaluated: 2025-10-10. Review status: criteria provided, single submitter. Criteria: Invitae Variant Classification Sherloc (09022015). Collection method: clinical testing. Allele origin: germline.
Comment: This sequence change replaces isoleucine, which is neutral and non-polar, with valine, which is neutral and non-polar, at codon 465 of the CTNNA1 protein (p.Ile465Val). This variant is present in population databases (rs775868066, gnomAD 0.01%). This variant has not been reported in the literature in individuals affected with CTNNA1-related conditions. ClinVar contains an entry for this variant (Variation ID: 839609). Invitae Evidence Modeling of protein sequence and biophysical properties (such as structural, functional, and spatial information, amino acid conservation, physicochemical variation, residue mobility, and thermodynamic stability) indicates that this missense variant is not expected to disrupt CTNNA1 protein function with a negative predictive value of 80%. In summary, the available evidence is currently insufficient to determine the role of this variant in disease. Therefore, it has been classified as a Variant of Uncertain Significance.

Ambry Genetics
Classification: Likely benign for Hereditary cancer-predisposing syndrome. Last evaluated: 2023-05-02. Review status: criteria provided, single submitter. Criteria: Ambry Variant Classification Scheme 2023. Collection method: clinical testing. Allele origin: germline.

GeneDx
Classification: Uncertain significance. Last evaluated: 2022-11-04. Review status: criteria provided, single submitter. Criteria: GeneDx Variant Classification Process June 2021. Collection method: clinical testing. Allele origin: germline. Affected: yes.
Comment: Observed in individuals undergoing multigene panel testing at a commercial laboratory (Clark et al., 2020); In silico analysis supports that this missense variant does not alter protein structure/function; This variant is associated with the following publications: (PMID: 32051609)

Blueprint Genetics
Classification: Uncertain significance. Last evaluated: 2019-11-22. Review status: criteria provided, single submitter. Criteria: ACMG Guidelines, 2015. Collection method: clinical testing. Allele origin: germline.

NM_001903.5(CTNNA1):c.1393A>G (p.Ile465Val)

Gene: CTNNA1 (catenin alpha 1; plus strand). Cytogenetic location: 5q31.2.
Variant type: single nucleotide variant.
Coding change: c.1393A>G on transcript NM_001903.5 (MANE Select); coding-DNA position 1393, A replaced by G.
Protein change: p.Ile465Val; replaces isoleucine 465 with valine.
Molecular consequence: missense variant. On other transcripts: 5 prime UTR variant (5).
Genome position (GRCh38, 1-based): chr5:138,917,745, A>G. VCF-style: chr5-138917745-A-G. GRCh37 (hg19) VCF-style: chr5-138253434-A-G.
Other names: c.1393A>G, p.Ile465Val (NM_001290307.3, NM_001323982.2, NM_001323983.1 and 2 more transcripts); c.1084A>G, p.Ile362Val (NM_001290309.3); c.1024A>G, p.Ile342Val (NM_001290310.3); c.283A>G, p.Ile95Val (NM_001290312.1, NM_001323987.1, NM_001323988.1 and 17 more transcripts); c.1300A>G, p.Ile434Val (NM_001323986.2); c.-57A>G (NM_001324006.1, NM_001324007.1, NM_001324008.1 and 2 more transcripts); c.190A>G, p.Ile64Val (NM_001324011.1); c.40A>G, p.Ile14Val (NM_001324012.1, NM_001324013.1); short protein forms I434V, I465V, I95V, I14V, I362V, I342V, I64V.
Identifiers: ClinVar variation 839609 (VCV000839609.12), dbSNP rs775868066, ClinGen allele CA3431950.
Genomic context (GRCh38, chr5:138,917,745, plus strand): 5'-AAGACAAAGCCATGACTCTGAAAAAGAGTAAACAGTGAAGTTTAATATCTTTTGCAGGTT[A>G]TTAATGCTGCACTGGCTTTAGCAGCAAAACCACAGAGTAAACTGGCCCAAGAGAACATGG-3'
Protein context (NP_001894.2, residues 455-475): SQLEALCPQV[Ile465Val]NAALALAAKP